The following is an entry in ClinVar:

NM_000091.5(COL4A3):c.4778G>T (p.Gly1593Val)

Genes: COL4A3 (collagen type IV alpha 3 chain; plus strand), MFF-DT (MFF divergent transcript; minus strand). Cytogenetic location: 2q36.3.
Variant type: single nucleotide variant.
Coding change: c.4778G>T on transcript NM_000091.5 (MANE Select); coding-DNA position 4778, G replaced by T.
Protein change: p.Gly1593Val; replaces glycine 1593 with valine.
Molecular consequence: missense variant.
Genome position (GRCh38, 1-based): chr2:227,310,798, G>T. VCF-style: chr2-227310798-G-T. GRCh37 (hg19) VCF-style: chr2-228175514-G-T.
Other names: short protein forms G1593V.
Identifiers: ClinVar variation 2141995 (VCV002141995.4), dbSNP rs373407763, ClinGen allele CA2147649.

ClinVar aggregate classification (germline): Uncertain significance. Review status: criteria provided, multiple submitters, no conflicts (2 of 4 stars). 3 submissions from 3 submitters: Uncertain significance (2). 1 of the submissions does not count toward it. Last evaluated 2025-05-06.

Conditions:
COL4A3-related disorder. Also called: COL4A3-related condition; COL4A3-Related Disorders.

Allele frequency attached by ClinVar (database versions not stated): gnomAD exomes below 0.00001; ExAC 0.00002; gnomAD 0.00005; TOPMed 0.00005; ESP Exome Variant Server 0.00008.
gnomAD v4.1: 15 of 1,614,018 alleles (0.00093%); highest among the groups gnomAD compares: African/African-American, 0.017%; no homozygotes.

Submissions (3):

Labcorp Genetics (formerly Invitae), Labcorp
Classification: Uncertain significance. Last evaluated: 2025-05-06. Review status: criteria provided, single submitter. Criteria: Invitae Variant Classification Sherloc (09022015). Collection method: clinical testing. Allele origin: germline.
Comment: This sequence change replaces glycine, which is neutral and non-polar, with valine, which is neutral and non-polar, at codon 1593 of the COL4A3 protein (p.Gly1593Val). The frequency data for this variant in the population databases is considered unreliable, as metrics indicate poor data quality at this position in the gnomAD database. This variant has not been reported in the literature in individuals affected with COL4A3-related conditions. ClinVar contains an entry for this variant (Variation ID: 2141995). Invitae Evidence Modeling of protein sequence and biophysical properties (such as structural, functional, and spatial information, amino acid conservation, physicochemical variation, residue mobility, and thermodynamic stability) has been performed for this missense variant. However, the output from this modeling did not meet the statistical confidence thresholds required to predict the impact of this variant on COL4A3 protein function. In summary, the available evidence is currently insufficient to determine the role of this variant in disease. Therefore, it has been classified as a Variant of Uncertain Significance.

GeneDx
Classification: Uncertain significance. Last evaluated: 2024-08-21. Review status: criteria provided, single submitter. Criteria: GeneDx Variant Classification Process June 2021. Collection method: clinical testing. Allele origin: germline. Affected: yes.
Comment: In silico analysis supports that this missense variant has a deleterious effect on protein structure/function; Has not been previously published as pathogenic or benign to our knowledge

PreventionGenetics, part of Exact Sciences
Classification: Uncertain significance for COL4A3-related condition. Last evaluated: 2024-08-27. Review status: no assertion criteria provided. Collection method: clinical testing. Allele origin: germline. Not counted in ClinVar's aggregate classification.
Comment: The COL4A3 c.4778G>T variant is predicted to result in the amino acid substitution p.Gly1593Val. To our knowledge, this variant has not been reported in the literature. Of note, the p.Gly1593 residue is not located in the triple helical domain (UniProt residues 43-1438). This variant is reported in 0.025% of alleles in individuals of African descent in gnomAD. At this time, the clinical significance of this variant is uncertain due to the absence of conclusive functional and genetic evidence.